The following is an entry in ClinVar:

ClinVar aggregate classification (germline): Uncertain significance (1 of 4 stars; one submission).

Conditions:
Long QT syndrome (LQTS). Identifiers: MedGen C0023976, MeSH D008133, MONDO:0002442. Disease mechanism: loss of function. Inheritance: Various modes of inheritance.

Submission:

Labcorp Genetics (formerly Invitae), Labcorp
Classification: Uncertain significance for Long QT syndrome. Last evaluated: 2025-11-20. Review status: criteria provided, single submitter. Criteria: Invitae Variant Classification Sherloc (09022015). Collection method: clinical testing. Allele origin: germline.
Comment: This sequence change falls in intron 4 of the KCNH2 gene. It does not directly change the encoded amino acid sequence of the KCNH2 protein. It affects a nucleotide within the consensus splice site. This variant is not present in population databases (gnomAD no frequency). This variant has not been reported in the literature in individuals affected with KCNH2-related conditions. Variants that disrupt the consensus splice site are a relatively common cause of aberrant splicing (PMID: 17576681, 9536098). Algorithms developed to predict the effect of sequence changes on RNA splicing suggest that this variant may disrupt the consensus splice site. In summary, the available evidence is currently insufficient to determine the role of this variant in disease. Therefore, it has been classified as a Variant of Uncertain Significance.

Literature cited by the submitters: PubMed 17576681; PubMed 9536098.

NM_000238.4(KCNH2):c.916+1_916+3dup

Gene: KCNH2 (potassium voltage-gated channel subfamily H member 2; minus strand). Cytogenetic location: 7q36.1.
Variant type: Duplication.
Coding change: c.916+1_916+3dup on transcript NM_000238.4 (MANE Select); the canonical splice donor site of the intron after coding-DNA position 916 through 3 bases into the intron after coding-DNA position 916, 3 bases duplicated (GTG; older notation c.916+1_916+3dupGTG).
Molecular consequence: splice donor variant.
Genome position (GRCh38, 1-based): chr7:150,958,056-150,958,058, CAC duplicated on the plus strand (GTG on the coding strand, the reverse complement: KCNH2 is on the minus strand); duplicating any 3 consecutive bases within chr7:150,958,056-150,958,059 gives the same sequence; the c. name uses the placement nearest the transcript's 3' end. VCF-style (leftmost placement, unchanged base first): chr7-150958055-T-TCAC. GRCh37 (hg19) VCF-style: chr7-150655143-T-TCAC.
Other names: c.628+1_628+3dup (NM_001406753.1, NM_001406756.1); c.916+1_916+3dup (NM_172056.3); c.739+1_739+3dup (NM_001406755.1); c.616+1_616+3dup (NM_001406757.1).
Identifiers: ClinVar variation 4731603 (VCV004731603.1).
Genomic context (GRCh38, chr7:150,958,055, plus strand): 5'-TGCAGCAAGCCTGGCAGCAGAAGAAGCGTGGGCTGGGGCGGAACGGGTCCCGCGGCGCCC[T>TCAC]CACCGGTGCTGGCGTGGCGCGGTGGCGGGGGCAGCACCCCGGCGCGCATGGCCTCGATGT-3'